The following is an entry in ClinVar:

ClinVar aggregate classification (germline): Uncertain significance. Review status: criteria provided, multiple submitters, no conflicts (2 of 4 stars). 2 submissions from 2 submitters: Uncertain significance (2). Last evaluated 2024-04-17.

Conditions:
Inborn genetic diseases. Identifiers: MedGen C0950123, MeSH D030342.

Submissions (2):

GeneDx
Classification: Uncertain significance. Last evaluated: 2024-04-17. Review status: criteria provided, single submitter. Criteria: GeneDx Variant Classification Process June 2021. Collection method: clinical testing. Allele origin: germline. Affected: yes.
Comment: Not observed at significant frequency in large population cohorts (gnomAD); In silico analysis indicates that this missense variant does not alter protein structure/function; Has not been previously published as pathogenic or benign to our knowledge

Ambry Genetics
Classification: Uncertain significance for Inborn genetic diseases. Last evaluated: 2019-08-30. Review status: criteria provided, single submitter. Criteria: Ambry Variant Classification Scheme 2023. Collection method: clinical testing. Allele origin: germline.
Comment: The p.V516L variant (also known as c.1546G>T), located in coding exon 20 of the DEPDC5 gene, results from a G to T substitution at nucleotide position 1546. The valine at codon 516 is replaced by leucine, an amino acid with highly similar properties. This amino acid position is not well conserved in available vertebrate species. In addition, this alteration is predicted to be tolerated by in silico analysis. Since supporting evidence is limited at this time, the clinical significance of this alteration remains unclear.

NM_001242896.3(DEPDC5):c.1546G>T (p.Val516Leu)

Gene: DEPDC5 (DEP domain containing 5, GATOR1 subcomplex subunit; plus strand). Cytogenetic location: 22q12.3.
Variant type: single nucleotide variant.
Coding change: c.1546G>T on transcript NM_001242896.3 (MANE Select); coding-DNA position 1546, G replaced by T.
Protein change: p.Val516Leu; replaces valine 516 with leucine.
Molecular consequence: missense variant. On other transcripts: non-coding transcript variant (5).
Genome position (GRCh38, 1-based): chr22:31,815,092, G>T. VCF-style: chr22-31815092-G-T. GRCh37 (hg19) VCF-style: chr22-32211078-G-T.
Other names: c.1546G>T, p.Val516Leu (NM_001007188.4, NM_001136029.4, NM_001242897.2 and 7 more transcripts); c.1462G>T, p.Val488Leu (NM_001369901.1, NM_001369902.1); short protein forms V516L, V488L.
Identifiers: ClinVar variation 1774950 (VCV001774950.3), dbSNP rs760196166, ClinGen allele CA411278278.